The following is an entry in ClinVar:

NM_020975.6(RET):c.2706G>C (p.Glu902Asp)

Gene: RET (ret proto-oncogene; plus strand). Cytogenetic location: 10q11.21.
Variant type: single nucleotide variant.
Coding change: c.2706G>C on transcript NM_020975.6 (MANE Select); coding-DNA position 2706, G replaced by C.
Protein change: p.Glu902Asp; replaces glutamic acid 902 with aspartic acid.
Molecular consequence: missense variant.
Genome position (GRCh38, 1-based): chr10:43,120,179, G>C. VCF-style: chr10-43120179-G-C. GRCh37 (hg19) VCF-style: chr10-43615627-G-C.
Other names: c.1944G>C, p.Glu648Asp (NM_001355216.2); c.2706G>C, p.Glu902Asp (NM_001406743.1, NM_001406744.1, NM_001406759.1 and 2 more transcripts); c.2577G>C, p.Glu859Asp (NM_001406761.1, NM_001406762.1, NM_001406764.1); c.2571G>C, p.Glu857Asp (NM_001406763.1, NM_001406765.1); c.2418G>C, p.Glu806Asp (NM_001406766.1, NM_001406767.1, NM_001406770.1); c.2442G>C, p.Glu814Asp (NM_001406768.1); c.2310G>C, p.Glu770Asp (NM_001406769.1, NM_001406772.1); c.2268G>C, p.Glu756Asp (NM_001406771.1, NM_001406773.1); and 10 more; short protein forms E419D, E558D, E603D, E756D, E770D, E814D, E857D, E859D.
Identifiers: ClinVar variation 4152801 (VCV004152801.1).
Genomic context (GRCh38, chr10:43,120,179, plus strand): 5'-AGCTGAGGGGCGGAAGATGAAGATTTCGGATTTCGGCTTGTCCCGAGATGTTTATGAAGA[G>C]GATTCCTACGTGAAGAGGAGCCAGGTGCCCAGTCCCGGGGATGAGGCGGGGCTCCCAGGG-3'
Protein context (NP_066124.1, residues 892-912): DFGLSRDVYE[Glu902Asp]DSYVKRSQGR

ClinVar aggregate classification (germline): Uncertain significance (1 of 4 stars; one submission).

Conditions:
Hereditary cancer-predisposing syndrome. Also called: Neoplastic Syndromes, Hereditary; Tumor predisposition; Hereditary Cancer Syndrome; Hereditary neoplastic syndrome. Identifiers: Orphanet 140162, MedGen C0027672, MeSH D009386, MONDO:0015356.

gnomAD v4.1: 1 of 1,613,252 alleles (0.000062%); no homozygotes.

Submission:

Ambry Genetics
Classification: Uncertain significance for Hereditary cancer-predisposing syndrome. Last evaluated: 2025-08-07. Review status: criteria provided, single submitter. Criteria: Ambry Variant Classification Scheme 2023. Collection method: clinical testing. Allele origin: germline.
Comment: The p.E902D variant (also known as c.2706G>C), located in coding exon 15 of the RET gene, results from a G to C substitution at nucleotide position 2706. The glutamic acid at codon 902 is replaced by aspartic acid, an amino acid with highly similar properties. This amino acid position is well conserved in available vertebrate species. In addition, the in silico prediction for this alteration is inconclusive. Based on the available evidence, the clinical significance of this variant remains unclear.